The following is an entry in ClinVar:

ClinVar aggregate classification (germline): Benign/Likely benign. Review status: criteria provided, multiple submitters, no conflicts (2 of 4 stars). 7 submissions from 7 submitters: Benign (3); Likely benign (3). 1 of the submissions does not count toward it. Last evaluated 2026-01-22.

Conditions:
BICC1-related disorder. Also called: BICC1-related condition.

Allele frequency attached by ClinVar (database versions not stated): 1000 Genomes Project 30x 0.00484; 1000 Genomes Project 0.00499; TOPMed 0.00927; ESP Exome Variant Server 0.01046; ExAC 0.01088; gnomAD 0.01130 and 0.01178; gnomAD exomes 0.01130 and 0.01413.
gnomAD v4.1: 22,066 of 1,609,116 alleles (1.4%); highest among the groups gnomAD compares: Non-Finnish European, 1.6%; 205 homozygotes.

Submissions (7):

Labcorp Genetics (formerly Invitae), Labcorp
Classification: Benign. Last evaluated: 2026-01-22. Review status: criteria provided, single submitter. Criteria: Invitae Variant Classification Sherloc (09022015). Collection method: clinical testing. Allele origin: germline.

GeneDx
Classification: Likely benign. Last evaluated: 2024-12-23. Review status: criteria provided, single submitter. Criteria: GeneDx Variant Classification Process June 2021. Collection method: clinical testing. Allele origin: germline. Affected: yes.
Comment: See Variant Classification Assertion Criteria.

Blueprint Genetics
Classification: Likely benign. Last evaluated: 2024-11-26. Review status: criteria provided, single submitter. Criteria: ACMG Guidelines, 2015. Collection method: clinical testing. Allele origin: germline.

Mayo Clinic Laboratories, Mayo Clinic
Classification: Benign. Last evaluated: 2024-07-23. Review status: criteria provided, single submitter. Criteria: ACMG Guidelines, 2015. Collection method: clinical testing. Allele origin: germline. Observed: 3 variant alleles.
Comment: BS1, BS2, BP4

CeGaT Center for Human Genetics Tuebingen
Classification: Benign. Last evaluated: 2024-07-01. Review status: criteria provided, single submitter. Criteria: CeGaT Center For Human Genetics Tuebingen Variant Classification Criteria Version 2. Collection method: clinical testing. Allele origin: germline. Affected: yes. Observed: 6 variant alleles.
Comment: BICC1: BS1, BS2

Breakthrough Genomics
Classification: Likely benign. Review status: criteria provided, single submitter. Criteria: ACMG Guidelines, 2015. Collection method: not provided. Allele origin: germline. Inheritance: Autosomal dominant inheritance. Affected: yes.

PreventionGenetics, part of Exact Sciences
Classification: Benign for BICC1-related condition. Last evaluated: 2024-05-15. Review status: no assertion criteria provided. Collection method: clinical testing. Allele origin: germline. Not counted in ClinVar's aggregate classification.
Comment: This variant is classified as benign based on ACMG/AMP sequence variant interpretation guidelines (Richards et al. 2015 PMID: 25741868, with internal and published modifications).

NM_001080512.3(BICC1):c.2132A>C (p.Asn711Thr)

Gene: BICC1 (BicC family RNA binding protein 1; plus strand). Cytogenetic location: 10q21.1.
Variant type: single nucleotide variant.
Coding change: c.2132A>C on transcript NM_001080512.3 (MANE Select); coding-DNA position 2132, A replaced by C.
Protein change: p.Asn711Thr; replaces asparagine 711 with threonine.
Molecular consequence: missense variant.
Genome position (GRCh38, 1-based): chr10:58,803,193, A>C. VCF-style: chr10-58803193-A-C. GRCh37 (hg19) VCF-style: chr10-60562953-A-C.
Other names: p.Asn711Thr; short protein forms N711T.
Identifiers: ClinVar variation 1202567 (VCV001202567.46), dbSNP rs138916713, ClinGen allele CA5508706.